The following is an entry in ClinVar:

ClinVar aggregate classification (germline): Uncertain significance/Uncertain risk allele. Review status: criteria provided, multiple submitters, no conflicts (2 of 4 stars). 2 submissions from 2 submitters: Uncertain significance (1); Uncertain risk allele (1). Last evaluated 2023-12-04.

Conditions:
Familial thoracic aortic aneurysm and aortic dissection (TAAD). Also called: Thoracic aortic aneurysms and dissections. Identifiers: Orphanet 91387, MedGen C4707243, MONDO:0019625.
Diabetic retinopathy. Identifiers: MedGen C0011884, MONDO:0005266.

Submissions (2):

Color Diagnostics, LLC DBA Color Health
Classification: Uncertain significance for Familial thoracic aortic aneurysm and aortic dissection. Last evaluated: 2023-12-04. Review status: criteria provided, single submitter. Criteria: ACMG Guidelines, 2015. Collection method: clinical testing. Allele origin: germline.
Comment: Variant of Uncertain Significance due to insufficient evidence: This missense variant is located in the extracellular domain of the TGFBR2 protein. Computational prediction tools and conservation analyses are inconclusive regarding the impact of this variant on the protein function. Computational splicing tools suggest that this variant may not impact the RNA splicing. To our knowledge, functional assays have not been performed for this variant nor has this variant been reported in individuals affected with cardiovascular disorders in the literature. This variant is rare in the general population and has been identified in 0/277264 chromosomes by the Genome Aggregation Database (gnomAD). Available evidence is insufficient to determine the pathogenicity of this variant conclusively.

Clinical Genomics, Uppaluri K&H Personalized Medicine Clinic
Classification: Uncertain risk allele for Diabetic retinopathy. Review status: criteria provided, single submitter. Criteria: K And H Uppaluri Personalized Medicine Clinic Variant Classification And Assertion Criteria Updated V 2. Collection method: research. Allele origin: unknown.
Comment: Potent mutations in TGFBR2 gene encodes the transforming growth factor that have been associated with angiogenesis and diabetic retinopathy. More clinical studies are needed for stronger association. However, more evidence is required to confer the association of this particular variant rs1559458806 with diabetic retinopathy.

Literature cited by the submitters: PubMed 30222965 (cited by Clinical Genomics, Uppaluri K&H Personalized Medicine Clinic); PubMed 28162229 (cited by Clinical Genomics, Uppaluri K&H Personalized Medicine Clinic); PubMed 34572573 (cited by Clinical Genomics, Uppaluri K&H Personalized Medicine Clinic).

NM_003242.6(TGFBR2):c.272A>C (p.Asn91Thr)

Gene: TGFBR2 (transforming growth factor beta receptor 2; plus strand). Cytogenetic location: 3p24.1.
Variant type: single nucleotide variant.
Coding change: c.272A>C on transcript NM_003242.6 (MANE Select); coding-DNA position 272, A replaced by C.
Protein change: p.Asn91Thr; replaces asparagine 91 with threonine.
Molecular consequence: missense variant.
Genome position (GRCh38, 1-based): chr3:30,650,278, A>C. VCF-style: chr3-30650278-A-C. GRCh37 (hg19) VCF-style: chr3-30691770-A-C.
Other names: c.347A>C, p.Asn116Thr (NM_001024847.3, NM_001407126.1, NM_001407139.1); c.272A>C, p.Asn91Thr (NM_001407127.1, NM_001407130.1); c.299A>C, p.Asn100Thr (NM_001407128.1); c.167A>C, p.Asn56Thr (NM_001407129.1, NM_001407132.1, NM_001407133.1 and 3 more transcripts); short protein forms N116T, N91T, N56T, N100T.
Identifiers: ClinVar variation 629218 (VCV000629218.6), dbSNP rs1559458806, ClinGen allele CA351806713.